The following is an entry in ClinVar:

ClinVar aggregate classification (germline): Uncertain significance (1 of 4 stars; one submission).

Conditions:
Cohen syndrome (COH1). Also called: Cutis verticis gyrata, retinitis pigmentosa, and sensorineural deafness; PEPPER SYNDROME. Identifiers: Orphanet 193, MedGen C0265223, MONDO:0008999, OMIM 216550.

Allele frequency attached by ClinVar (database versions not stated): gnomAD exomes below 0.00001.
gnomAD v4.1: 2 of 1,614,014 alleles (0.00012%); highest among the groups gnomAD compares: Non-Finnish European, 0.00017%; no homozygotes.

Submission:

Labcorp Genetics (formerly Invitae), Labcorp
Classification: Uncertain significance for Cohen syndrome. Last evaluated: 2024-10-28. Review status: criteria provided, single submitter. Criteria: Invitae Variant Classification Sherloc (09022015). Collection method: clinical testing. Allele origin: germline.
Comment: This sequence change replaces serine, which is neutral and polar, with glycine, which is neutral and non-polar, at codon 2196 of the VPS13B protein (p.Ser2196Gly). This variant is not present in population databases (gnomAD no frequency). This variant has not been reported in the literature in individuals affected with VPS13B-related conditions. ClinVar contains an entry for this variant (Variation ID: 1977775). Invitae Evidence Modeling of protein sequence and biophysical properties (such as structural, functional, and spatial information, amino acid conservation, physicochemical variation, residue mobility, and thermodynamic stability) indicates that this missense variant is not expected to disrupt VPS13B protein function with a negative predictive value of 80%. Algorithms developed to predict the effect of sequence changes on RNA splicing suggest that this variant may disrupt the consensus splice site. In summary, the available evidence is currently insufficient to determine the role of this variant in disease. Therefore, it has been classified as a Variant of Uncertain Significance.

NM_152564.5(VPS13B):c.6511A>G (p.Ser2171Gly)

Gene: VPS13B (vacuolar protein sorting 13 homolog B; plus strand). Cytogenetic location: 8q22.2.
Variant type: single nucleotide variant.
Coding change: c.6511A>G on transcript NM_152564.5 (MANE Select); coding-DNA position 6511, A replaced by G.
Protein change: p.Ser2171Gly; replaces serine 2171 with glycine.
Molecular consequence: missense variant.
Genome position (GRCh38, 1-based): chr8:99,717,227, A>G. VCF-style: chr8-99717227-A-G. GRCh37 (hg19) VCF-style: chr8-100729455-A-G.
Other names: c.6586A>G, p.Ser2196Gly (NM_017890.5); short protein forms S2171G, S2196G.
Identifiers: ClinVar variation 1977775 (VCV001977775.5), dbSNP rs2491561840, ClinGen allele CA371867193.
Genomic context (GRCh38, chr8:99,717,227, plus strand): 5'-TCAGGCATAATTCTTGGGTCATCATTTCTACTCAGTATAAACGATTTTCTCCTTAAAACA[A>G]GTCTCAAAGAAAGAAGCCGCATTCTGATAGGACCATGTTGTGCTACTGCCAATCTGGAAG-3'
Protein context (NP_689777.3, residues 2161-2181): LSINDFLLKT[Ser2171Gly]LKERSRILIG